The following is an entry in ClinVar:

NM_000202.8(IDS):c.1215del (p.Leu406fs)

Gene: IDS (iduronate 2-sulfatase; minus strand). Cytogenetic location: Xq28.
Variant type: Deletion.
Coding change: c.1215del on transcript NM_000202.8 (MANE Select); coding-DNA position 1215, one base deleted (T; older notation c.1215delT).
Protein change: p.Leu406fs; shifts the reading frame from leucine 406.
Molecular consequence: frameshift variant.
Genome position (GRCh38, 1-based): chrX:149,483,184, A deleted on the plus strand (T on the coding strand, the reverse complement: IDS is on the minus strand). VCF-style (leftmost placement, unchanged base first): chrX-149483183-GA-G. GRCh37 (hg19) VCF-style: chrX-148564714-GA-G.
Other names: c.945del, p.Leu316fs (NM_001166550.4); short protein forms L316fs, L406fs.
Identifiers: ClinVar variation 3255992 (VCV003255992.2).

ClinVar aggregate classification (germline): Pathogenic (1 of 4 stars; one submission).

Conditions:
Mucopolysaccharidosis, MPS-II (MPS2). Also called: Hunter Syndrome; IDURONATE 2-SULFATASE DEFICIENCY; Mucopolysaccharidosis Type II; Mucopolysaccharidosis type 2; Attenuated MPS (subtype; formerly known as mild MPS II); Severe MPS II. Identifiers: Orphanet 580, Orphanet 79388, MedGen C0026705, MONDO:0010674, OMIM 309900.

Submission:

Laboratory of Diagnosis and Therapy of Lysosomal Disorders, University of Padova
Classification: Pathogenic for Mucopolysaccharidosis, MPS-II. Last evaluated: 2024-06-07. Review status: criteria provided, single submitter. Criteria: ACMG Guidelines, 2015. Collection method: literature only. Allele origin: germline. Affected: yes. Observed: 1 variant allele.
Comment: Null variant (PVS1_Strong), Absent from controls (or at low frequency) in gnomAD database (PM2_Moderate), Patient’s phenotype or family history highly specific for the disease (PP4_Strong)

Classification method: ACMG Guidelines [PMID:25741868] with modifications

Literature cited by the submitters: DOI 10.52340/GBMN.2023.01.01.15.